The following is an entry in ClinVar:

ClinVar aggregate classification (germline): Conflicting classifications of pathogenicity. Review status: criteria provided, conflicting classifications (1 of 4 stars). 4 submissions from 4 submitters: Uncertain significance (3); Likely benign (1). Last evaluated 2024-08-08.

Conditions:
Inborn genetic diseases. Identifiers: MedGen C0950123, MeSH D030342.
MHC class II deficiency. Also called: Bare lymphocyte syndrome 2; BLS, TYPE II. Identifiers: Orphanet 572, MedGen C5447452, MONDO:0008855.

Allele frequency attached by ClinVar (database versions not stated): gnomAD exomes 0.00003 and 0.00006; ExAC 0.00009; gnomAD 0.00010 and 0.00011; TOPMed 0.00016; 1000 Genomes Project 0.00040; 1000 Genomes Project 30x 0.00047.
gnomAD v4.1: 53 of 1,614,196 alleles (0.0033%); highest among the groups gnomAD compares: East Asian, 0.049%; no homozygotes.

Submissions (4):

Blueprint Genetics
Classification: Uncertain significance. Last evaluated: 2024-08-08. Review status: criteria provided, single submitter. Criteria: ACMG Guidelines, 2015. Collection method: clinical testing. Allele origin: germline.

Ambry Genetics
Classification: Likely benign for Inborn genetic diseases. Last evaluated: 2024-01-29. Review status: criteria provided, single submitter. Criteria: Ambry Variant Classification Scheme 2023. Collection method: clinical testing. Allele origin: germline.

Labcorp Genetics (formerly Invitae), Labcorp
Classification: Uncertain significance for MHC class II deficiency. Last evaluated: 2022-10-17. Review status: criteria provided, single submitter. Criteria: Invitae Variant Classification Sherloc (09022015). Collection method: clinical testing. Allele origin: germline.
Comment: This sequence change affects codon 1078 of the CIITA mRNA. It is a 'silent' change, meaning that it does not change the encoded amino acid sequence of the CIITA protein. It affects a nucleotide within the consensus splice site. This variant is present in population databases (rs201907821, gnomAD 0.07%). This variant has not been reported in the literature in individuals affected with CIITA-related conditions. ClinVar contains an entry for this variant (Variation ID: 886529). Algorithms developed to predict the effect of sequence changes on RNA splicing suggest that this variant is not likely to affect RNA splicing. In summary, the available evidence is currently insufficient to determine the role of this variant in disease. Therefore, it has been classified as a Variant of Uncertain Significance.

Illumina Laboratory Services, Illumina
Classification: Uncertain significance for MHC class II deficiency 1. Last evaluated: 2017-04-28. Review status: criteria provided, single submitter. Criteria: ICSL Variant Classification Criteria 13 December 2019. Collection method: clinical testing. Allele origin: germline.

NM_000246.4(CIITA):c.3234C>T (p.Asp1078=)

Gene: CIITA (class II major histocompatibility complex transactivator; plus strand). Cytogenetic location: 16p13.13.
Variant type: single nucleotide variant.
Coding change: c.3234C>T on transcript NM_000246.4 (MANE Select); coding-DNA position 3234, C replaced by T.
Protein change: p.Asp1078=; no amino-acid change (aspartic acid 1078 retained).
Molecular consequence: synonymous variant. On other transcripts: non-coding transcript variant (1).
Genome position (GRCh38, 1-based): chr16:10,922,407, C>T. VCF-style: chr16-10922407-C-T. GRCh37 (hg19) VCF-style: chr16-11016264-C-T.
Other names: c.3237C>T, p.Asp1079= (NM_001286402.1, NM_001379332.1); c.1482C>T, p.Asp494= (NM_001286403.2); c.3090C>T, p.Asp1030= (NM_001379330.1); c.3087C>T, p.Asp1029= (NM_001379331.1); c.3234C>T, p.Asp1078= (NM_001379333.1); c.3165C>T, p.Asp1055= (NM_001379334.1).
Identifiers: ClinVar variation 886529 (VCV000886529.7), dbSNP rs201907821, ClinGen allele CA7900751.